The following is an entry in ClinVar:

ClinVar aggregate classification (germline): Benign/Likely benign. Review status: criteria provided, multiple submitters, no conflicts (2 of 4 stars). 15 submissions from 14 submitters: Benign (8); Likely benign (5). 2 of the submissions do not count toward it. Last evaluated 2026-01-27.

Conditions:
WFS1-Related Spectrum Disorders.
Wolfram syndrome 1 (WFS1). Identifiers: Orphanet 3463, MedGen C4551693, MONDO:0009101, OMIM 222300.
Autosomal dominant nonsyndromic hearing loss 6 (LFSNHL). Also called: DEAFNESS, AUTOSOMAL DOMINANT 6; Autosomal dominant nonsyndromic deafness 6; DEAFNESS, AUTOSOMAL DOMINANT 14; DEAFNESS, AUTOSOMAL DOMINANT 38. Identifiers: Orphanet 90635, MedGen C1833021, MONDO:0010963, OMIM 600965.

Allele frequency attached by ClinVar (database versions not stated): 1000 Genomes Project 30x 0.00344; 1000 Genomes Project 0.00359; ESP Exome Variant Server 0.00414; TOPMed 0.00429.
gnomAD v4.1: 1,241 of 1,611,772 alleles (0.077%); highest among the groups gnomAD compares: African/African-American, 1.3%; 10 homozygotes.

Submissions (15):

Labcorp Genetics (formerly Invitae), Labcorp
Classification: Likely benign. Last evaluated: 2026-01-27. Review status: criteria provided, single submitter. Criteria: Invitae Variant Classification Sherloc (09022015). Collection method: clinical testing. Allele origin: germline.

Mayo Clinic Laboratories, Mayo Clinic
Classification: Benign. Last evaluated: 2025-01-13. Review status: criteria provided, single submitter. Criteria: ACMG Guidelines, 2015. Collection method: clinical testing. Allele origin: germline. Observed: 3 variant alleles.
Comment: BS1, BS2, BP4, BP7

CeGaT Center for Human Genetics Tuebingen
Classification: Likely benign. Last evaluated: 2025-01-01. Review status: criteria provided, single submitter. Criteria: CeGaT Center For Human Genetics Tuebingen Variant Classification Criteria Version 2. Collection method: clinical testing. Allele origin: germline. Affected: yes. Observed: 1 variant allele.
Comment: WFS1: BP4, BP7, BS1

Blueprint Genetics
Classification: Likely benign. Last evaluated: 2024-11-25. Review status: criteria provided, single submitter. Criteria: ACMG Guidelines, 2015. Collection method: clinical testing. Allele origin: germline.

ARUP Laboratories, Molecular Genetics and Genomics, ARUP Laboratories
Classification: Benign. Last evaluated: 2024-03-29. Review status: criteria provided, single submitter. Criteria: ARUP Molecular Germline Variant Investigation Process 2024. Collection method: clinical testing. Allele origin: germline.

Genetic Services Laboratory, University of Chicago
Classification: Likely benign. Last evaluated: 2018-04-23. Review status: criteria provided, single submitter. Criteria: ACMG Guidelines, 2015. Collection method: clinical testing. Allele origin: germline. Affected: no.

Illumina Laboratory Services, Illumina
Classification: Benign for Autosomal dominant nonsyndromic hearing loss 6. Last evaluated: 2018-01-12. Review status: criteria provided, single submitter. Criteria: ICSL Variant Classification Criteria 13 December 2019. Collection method: clinical testing. Allele origin: germline.
Comment: This variant was observed in the ICSL laboratory as part of a predisposition screen in an ostensibly healthy population. It had not been previously curated by ICSL or reported in the Human Gene Mutation Database (HGMD: prior to June 1st, 2018), and was therefore a candidate for classification through an automated scoring system. Utilizing variant allele frequency, disease prevalence and penetrance estimates, and inheritance mode, an automated score was calculated to assess if this variant is too frequent to cause the disease. Based on the score and internal cut-off values, a variant classified as benign is not then subjected to further curation. The score for this variant resulted in a classification of benign for this disease.

Illumina Laboratory Services, Illumina
Classification: Benign for WFS1-Related Spectrum Disorders. Last evaluated: 2018-01-12. Review status: criteria provided, single submitter. Criteria: ICSL Variant Classification Criteria 13 December 2019. Collection method: clinical testing. Allele origin: germline.
Comment: the same text as in the submission from Illumina Laboratory Services, Illumina above.

Eurofins Ntd Llc (ga)
Classification: Benign. Last evaluated: 2017-02-21. Review status: criteria provided, single submitter. Criteria: EGL Classification Definitions 2015. Collection method: clinical testing. Allele origin: germline. Observed: 1 variant allele, 1 heterozygote.

GeneDx
Classification: Benign. Last evaluated: 2015-06-10. Review status: criteria provided, single submitter. Criteria: GeneDx Variant Classification (06012015). Collection method: clinical testing. Allele origin: germline. Affected: yes.
Comment: This variant is considered likely benign or benign based on one or more of the following criteria: it is a conservative change, it occurs at a poorly conserved position in the protein, it is predicted to be benign by multiple in silico algorithms, and/or has population frequency not consistent with disease.

Laboratory for Molecular Medicine, Mass General Brigham Personalized Medicine
Classification: Benign. Last evaluated: 2015-05-03. Review status: criteria provided, single submitter. Criteria: LMM Criteria. Collection method: clinical testing. Allele origin: germline. Observed: 2 variant alleles.
Comment: p.Ser790Ser in exon 8 of WFS1: This variant is not expected to have clinical sig nificance because it does not alter an amino acid residue, is not located within the splice consensus sequence, and has been identified in 1.6% (132/8294) of Af rican chromosomes by the Exome Aggregation Consortium (ExAC; dbSNP rs150936382).

Breakthrough Genomics
Classification: Likely benign. Review status: criteria provided, single submitter. Criteria: ACMG Guidelines, 2015. Collection method: not provided. Allele origin: germline. Inheritance: Autosomal recessive inheritance. Affected: yes.

Clinical Genomics, Uppaluri K&H Personalized Medicine Clinic
Classification: Benign for Wolfram syndrome 1. Review status: criteria provided, single submitter. Criteria: K & H Uppaluri Personalized Medicine Clinic Variant Classification & Assertion Criteria_Updated V.1. Collection method: research. Allele origin: unknown. Inheritance: Autosomal recessive inheritance.
Comment: Potent mutations in WFS1 gene are associated with Wolfram's syndrome, an autosomal recessive condition, which cause diabetes mellitus, diabetes insipidus, deafness and optic atrophy. However no sufficient evidence is found to ascertain the role of this particular variant rs150936382 in Wolfram's syndrome yet.

Clinical Genetics DNA and cytogenetics Diagnostics Lab, Erasmus MC, Erasmus Medical Center
Classification: Likely benign. Review status: no assertion criteria provided. Collection method: clinical testing. Allele origin: germline. Affected: yes. Study: VKGL Data-share Consensus. Not counted in ClinVar's aggregate classification.

Laboratory of Diagnostic Genome Analysis, Leiden University Medical Center (LUMC)
Classification: Likely benign. Review status: no assertion criteria provided. Collection method: clinical testing. Allele origin: germline. Affected: yes. Study: VKGL Data-share Consensus. Not counted in ClinVar's aggregate classification.

Literature cited by the submitters: PubMed 20738327 (cited by Clinical Genomics, Uppaluri K&H Personalized Medicine Clinic); PubMed 33879153 (cited by Clinical Genomics, Uppaluri K&H Personalized Medicine Clinic); PubMed 12955714 (cited by Clinical Genomics, Uppaluri K&H Personalized Medicine Clinic); PubMed 18060660 (cited by Clinical Genomics, Uppaluri K&H Personalized Medicine Clinic); PubMed 20301750 (cited by Clinical Genomics, Uppaluri K&H Personalized Medicine Clinic); PubMed 17603484 (cited by Clinical Genomics, Uppaluri K&H Personalized Medicine Clinic).

NM_006005.3(WFS1):c.2370G>A (p.Ser790=)

Gene: WFS1 (wolframin ER transmembrane glycoprotein; plus strand). Cytogenetic location: 4p16.1.
Variant type: single nucleotide variant.
Coding change: c.2370G>A on transcript NM_006005.3 (MANE Select); coding-DNA position 2370, G replaced by A.
Protein change: p.Ser790=; no amino-acid change (serine 790 retained).
Molecular consequence: synonymous variant.
Genome position (GRCh38, 1-based): chr4:6,302,165, G>A. VCF-style: chr4-6302165-G-A. GRCh37 (hg19) VCF-style: chr4-6303892-G-A.
Other names: p.Ser790=; c.2370G>A, p.Ser790= (NM_001145853.1).
Identifiers: ClinVar variation 227151 (VCV000227151.51), dbSNP rs150936382, ClinGen allele CA2839706.